The following is an entry in ClinVar:

ClinVar aggregate classification (germline): Conflicting classifications of pathogenicity. Review status: criteria provided, conflicting classifications (1 of 4 stars). 2 submissions from 2 submitters: Uncertain significance (1); Likely benign (1). Last evaluated 2025-04-28.

Conditions:
Cardiovascular phenotype. Identifiers: MedGen CN230736.
TTN-related disorder. Also called: TTN-related disorders; TTN-related condition; TTN-related disease.

Allele frequency attached by ClinVar (database versions not stated): gnomAD 0.00001; TOPMed 0.00001; gnomAD exomes 0.00002; ExAC 0.00007.
gnomAD v4.1: 30 of 1,612,578 alleles (0.0019%); highest among the groups gnomAD compares: South Asian, 0.023%; no homozygotes.

Submissions (2):

PreventionGenetics, part of Exact Sciences
Classification: Uncertain significance for TTN-related condition. Last evaluated: 2025-04-28. Review status: criteria provided, single submitter. Criteria: ACMG Guidelines, 2015. Collection method: clinical testing. Allele origin: germline.
Comment: The TTN c.48080G>A variant is predicted to result in the amino acid substitution p.Arg16027His. To our knowledge, this variant has not been reported in the literature. This variant is reported in 0.036% of alleles in individuals of South Asian descent in gnomAD. At this time, the clinical significance of this variant is uncertain due to the absence of conclusive functional and genetic evidence.

Ambry Genetics
Classification: Likely benign for Cardiovascular phenotype. Last evaluated: 2020-06-29. Review status: criteria provided, single submitter. Criteria: Ambry Variant Classification Scheme 2023. Collection method: clinical testing. Allele origin: germline.

NM_001267550.2(TTN):c.48080G>A (p.Arg16027His)

Genes: TTN (titin; minus strand), TTN-AS1 (TTN antisense RNA 1; plus strand). Cytogenetic location: 2q31.2.
Variant type: single nucleotide variant.
Coding change: c.48080G>A on transcript NM_001267550.2 (MANE Select); coding-DNA position 48080, G replaced by A.
Protein change: p.Arg16027His; replaces arginine 16027 with histidine.
Molecular consequence: missense variant.
Genome position (GRCh38, 1-based): chr2:178,616,809, C>T on the plus strand (G>A on the coding strand, the complement: TTN is on the minus strand). VCF-style: chr2-178616809-C-T. GRCh37 (hg19) VCF-style: chr2-179481536-C-T.
Other names: c.43157G>A, p.Arg14386His (NM_001256850.1); c.20885G>A, p.Arg6962His (NM_003319.4); c.40376G>A, p.Arg13459His (NM_133378.4); c.21260G>A, p.Arg7087His (NM_133432.3); c.21461G>A, p.Arg7154His (NM_133437.4); short protein forms R13459H, R14386H, R7087H, R7154H, R16027H, R6962H.
Identifiers: ClinVar variation 1785657 (VCV001785657.3), dbSNP rs757013471, ClinGen allele CA1994920.